The following is an entry in ClinVar:

NM_001626.6(AKT2):c.527G>A (p.Arg176His)

Gene: AKT2 (AKT serine/threonine kinase 2; minus strand). Cytogenetic location: 19q13.2.
Variant type: single nucleotide variant.
Coding change: c.527G>A on transcript NM_001626.6 (MANE Select); coding-DNA position 527, G replaced by A.
Protein change: p.Arg176His; replaces arginine 176 with histidine.
Molecular consequence: missense variant.
Genome position (GRCh38, 1-based): chr19:40,241,984, C>T on the plus strand (G>A on the coding strand, the complement: AKT2 is on the minus strand). VCF-style: chr19-40241984-C-T. GRCh37 (hg19) VCF-style: chr19-40747891-C-T.
Other names: c.341G>A, p.Arg114His (NM_001243027.3, NM_001243028.3); c.527G>A, p.Arg176His (NM_001330511.1); short protein forms R114H, R176H.
Identifiers: ClinVar variation 3257513 (VCV003257513.17).
Genomic context (GRCh38, chr19:40,241,984, plus strand): 5'-CCCGGGGCACGCACCTTGGCAATGATGACTTCCTTCCGCAGGATCTTCATGGCGTAGTAG[C>T]GGCCAGTGGCCTTCTCCCGCACCAGGATGACTTTGCCAAAGGTTCCCTTGCCAAGGAGTT-3'
Protein context (NP_001617.1, residues 166-186): VILVREKATG[Arg176His]YYAMKILRKE

ClinVar aggregate classification (germline): Likely benign (1 of 4 stars; one submission).

gnomAD v4.1: 7 of 1,614,082 alleles (0.00043%); highest among the groups gnomAD compares: East Asian, 0.0022%; no homozygotes.

Submission:

CeGaT Center for Human Genetics Tuebingen
Classification: Likely benign. Last evaluated: 2024-07-01. Review status: criteria provided, single submitter. Criteria: CeGaT Center For Human Genetics Tuebingen Variant Classification Criteria Version 2. Collection method: clinical testing. Allele origin: germline. Affected: yes. Observed: 1 variant allele.
Comment: AKT2: BP4